The following is an entry in ClinVar:

ClinVar aggregate classification (germline): Uncertain significance. Review status: criteria provided, multiple submitters, no conflicts (2 of 4 stars). 2 submissions from 2 submitters: Uncertain significance (2). Last evaluated 2025-07-20.

Allele frequency attached by ClinVar (database versions not stated): TOPMed 0.00001.
gnomAD v4.1: 6 of 1,613,942 alleles (0.00037%); highest among the groups gnomAD compares: South Asian, 0.0033%; no homozygotes.

Submissions (2):

Labcorp Genetics (formerly Invitae), Labcorp
Classification: Uncertain significance. Last evaluated: 2025-07-20. Review status: criteria provided, single submitter. Criteria: Invitae Variant Classification Sherloc (09022015). Collection method: clinical testing. Allele origin: germline.
Comment: This sequence change replaces serine, which is neutral and polar, with cysteine, which is neutral and slightly polar, at codon 1094 of the NPAT protein (p.Ser1094Cys). This variant is present in population databases (no rsID available, gnomAD 0.003%). This variant has not been reported in the literature in individuals affected with NPAT-related conditions. ClinVar contains an entry for this variant (Variation ID: 1729743). An algorithm developed to predict the effect of missense changes on protein structure and function (PolyPhen-2) suggests that this variant is likely to be disruptive. In summary, the available evidence is currently insufficient to determine the role of this variant in disease. Therefore, it has been classified as a Variant of Uncertain Significance.

Ambry Genetics
Classification: Uncertain significance. Last evaluated: 2023-11-03. Review status: criteria provided, single submitter. Criteria: Ambry Variant Classification Scheme 2023. Collection method: clinical testing. Allele origin: germline.
Comment: The p.S1094C variant (also known as c.3281C>G), located in coding exon 17 of the NPAT gene, results from a C to G substitution at nucleotide position 3281. The serine at codon 1094 is replaced by cysteine, an amino acid with dissimilar properties. This amino acid position is conserved. In addition, this alteration is predicted to be tolerated by in silico analysis. Since supporting evidence is limited at this time, the clinical significance of this alteration remains unclear.

NM_002519.3(NPAT):c.3281C>G (p.Ser1094Cys)

Gene: NPAT (nuclear protein, coactivator of histone transcription; minus strand). Cytogenetic location: 11q22.3.
Variant type: single nucleotide variant.
Coding change: c.3281C>G on transcript NM_002519.3 (MANE Select); coding-DNA position 3281, C replaced by G.
Protein change: p.Ser1094Cys; replaces serine 1094 with cysteine.
Molecular consequence: missense variant.
Genome position (GRCh38, 1-based): chr11:108,161,805, G>C on the plus strand (C>G on the coding strand, the complement: NPAT is on the minus strand). VCF-style: chr11-108161805-G-C. GRCh37 (hg19) VCF-style: chr11-108032532-G-C.
Other names: c.3302C>G, p.Ser1101Cys (NM_001321307.1); short protein forms S1101C, S1094C.
Identifiers: ClinVar variation 1729743 (VCV001729743.3), dbSNP rs918026036, ClinGen allele CA228374119.